The following is an entry in ClinVar:

ClinVar aggregate classification (germline): Uncertain significance. Review status: criteria provided, multiple submitters, no conflicts (2 of 4 stars). 4 submissions from 4 submitters: Uncertain significance (3). 1 of the submissions does not count toward it. Last evaluated 2025-12-18.

Conditions:
Primary ciliary dyskinesia. Also called: Ciliary dyskinesia. Identifiers: Orphanet 244, MedGen C0008780, MONDO:0016575, HP:0012265.
Primary ciliary dyskinesia 3. Identifiers: Orphanet 244, MedGen C1837618, MONDO:0012085, OMIM 608644.

Allele frequency attached by ClinVar (database versions not stated): gnomAD exomes below 0.00001.
gnomAD v4.1: 8 of 1,614,120 alleles (0.0005%); highest among the groups gnomAD compares: African/African-American, 0.0013%; no homozygotes.

Submissions (4):

Labcorp Genetics (formerly Invitae), Labcorp
Classification: Uncertain significance for Primary ciliary dyskinesia. Last evaluated: 2025-12-18. Review status: criteria provided, single submitter. Criteria: Invitae Variant Classification Sherloc (09022015). Collection method: clinical testing. Allele origin: germline.
Comment: This sequence change replaces glycine, which is neutral and non-polar, with serine, which is neutral and polar, at codon 2464 of the DNAH5 protein (p.Gly2464Ser). This variant is present in population databases (rs112103817, gnomAD 0.0009%). This variant has not been reported in the literature in individuals affected with DNAH5-related conditions. ClinVar contains an entry for this variant (Variation ID: 907612). Invitae Evidence Modeling of protein sequence and biophysical properties (such as structural, functional, and spatial information, amino acid conservation, physicochemical variation, residue mobility, and thermodynamic stability) indicates that this missense variant is not expected to disrupt DNAH5 protein function with a negative predictive value of 95%. In summary, the available evidence is currently insufficient to determine the role of this variant in disease. Therefore, it has been classified as a Variant of Uncertain Significance.

Ambry Genetics
Classification: Uncertain significance for Primary ciliary dyskinesia. Last evaluated: 2025-11-05. Review status: criteria provided, single submitter. Criteria: Ambry Variant Classification Scheme 2023. Collection method: clinical testing. Allele origin: germline.

Illumina Laboratory Services, Illumina
Classification: Uncertain significance for Primary ciliary dyskinesia 3. Last evaluated: 2018-01-13. Review status: criteria provided, single submitter. Criteria: ICSL Variant Classification Criteria 13 December 2019. Collection method: clinical testing. Allele origin: germline.

Natera, Inc.
Classification: Uncertain significance for Primary ciliary dyskinesia. Last evaluated: 2025-04-10. Review status: no assertion criteria provided. Collection method: clinical testing. Allele origin: germline. Not counted in ClinVar's aggregate classification.

NM_001369.3(DNAH5):c.7390G>A (p.Gly2464Ser)

Gene: DNAH5 (dynein axonemal heavy chain 5; minus strand). Cytogenetic location: 5p15.2.
Variant type: single nucleotide variant.
Coding change: c.7390G>A on transcript NM_001369.3 (MANE Select); coding-DNA position 7390, G replaced by A.
Protein change: p.Gly2464Ser; replaces glycine 2464 with serine.
Molecular consequence: missense variant.
Genome position (GRCh38, 1-based): chr5:13,811,664, C>T on the plus strand (G>A on the coding strand, the complement: DNAH5 is on the minus strand). VCF-style: chr5-13811664-C-T. GRCh37 (hg19) VCF-style: chr5-13811773-C-T.
Other names: short protein forms G2464S.
Identifiers: ClinVar variation 907612 (VCV000907612.13), dbSNP rs112103817, ClinGen allele CA113923468.